The following is an entry in ClinVar:

NM_000135.4(FANCA):c.869C>T (p.Ser290Phe)

Gene: FANCA (FA complementation group A; minus strand). Cytogenetic location: 16q24.3.
Variant type: single nucleotide variant.
Coding change: c.869C>T on transcript NM_000135.4 (MANE Select); coding-DNA position 869, C replaced by T.
Protein change: p.Ser290Phe; replaces serine 290 with phenylalanine.
Molecular consequence: missense variant.
Genome position (GRCh38, 1-based): chr16:89,799,190, G>A on the plus strand (C>T on the coding strand, the complement: FANCA is on the minus strand). VCF-style: chr16-89799190-G-A. GRCh37 (hg19) VCF-style: chr16-89865598-G-A.
Other names: c.869C>T, p.Ser290Phe (NM_001018112.3, NM_001286167.3); c.773C>T, p.Ser258Phe (NM_001351830.2); short protein forms S290F, S258F.
Identifiers: ClinVar variation 1365434 (VCV001365434.8), dbSNP rs185984960, ClinGen allele CA397472916.
Genomic context (GRCh38, chr16:89,799,190, plus strand): 5'-GCTGCACACTCAGGCAGGCCACCCTCAGGAACATACCAGCACCTCACGATCTTGTGAGTG[G>A]AGGACTCCTCCTGTACTCCAGCAGCCAAAGCGTCAAGTGCAACTGAAGACAGAGCCAGGA-3'
Protein context (NP_000126.2, residues 280-300): ALAAGVQEES[Ser290Phe]THKIVRCWFG

ClinVar aggregate classification (germline): Uncertain significance (1 of 4 stars; one submission).

Conditions:
Fanconi anemia (FA). Also called: Fanconi's anemia. Identifiers: Orphanet 84, MedGen C0015625, MeSH D005199, MONDO:0019391.

gnomAD v4.1: 4 of 1,614,156 alleles (0.00025%); highest among the groups gnomAD compares: East Asian, 0.0089%; no homozygotes.

Submission:

Labcorp Genetics (formerly Invitae), Labcorp
Classification: Uncertain significance for Fanconi anemia. Last evaluated: 2023-01-26. Review status: criteria provided, single submitter. Criteria: Invitae Variant Classification Sherloc (09022015). Collection method: clinical testing. Allele origin: germline.
Comment: This sequence change replaces serine, which is neutral and polar, with phenylalanine, which is neutral and non-polar, at codon 290 of the FANCA protein (p.Ser290Phe). This variant is present in population databases (no rsID available, gnomAD 0.006%). This variant has not been reported in the literature in individuals affected with FANCA-related conditions. ClinVar contains an entry for this variant (Variation ID: 1365434). Advanced modeling of protein sequence and biophysical properties (such as structural, functional, and spatial information, amino acid conservation, physicochemical variation, residue mobility, and thermodynamic stability) has been performed at Invitae for this missense variant, however the output from this modeling did not meet the statistical confidence thresholds required to predict the impact of this variant on FANCA protein function. In summary, the available evidence is currently insufficient to determine the role of this variant in disease. Therefore, it has been classified as a Variant of Uncertain Significance.